The following is an entry in ClinVar:

NM_001148.6(ANK2):c.7969A>G (p.Ser2657Gly)

Genes: ANK2 (ankyrin 2; plus strand), LOC126807137 (CDK7 strongly-dependent group 2 enhancer GRCh37_chr4:114276560-114277759; plus strand). Cytogenetic location: 4q26.
Variant type: single nucleotide variant.
Coding change: c.7969A>G on transcript NM_001148.6 (MANE Select); coding-DNA position 7969, A replaced by G.
Protein change: p.Ser2657Gly; replaces serine 2657 with glycine.
Molecular consequence: missense variant. On other transcripts: intron variant (68).
Genome position (GRCh38, 1-based): chr4:113,356,587, A>G. VCF-style: chr4-113356587-A-G. GRCh37 (hg19) VCF-style: chr4-114277743-A-G.
Other names: c.7735A>G, p.Ser2579Gly (NM_001386142.1); c.4369A>G, p.Ser1457Gly (NM_001386166.1); c.8110A>G, p.Ser2704Gly (NM_001386174.1); c.8086A>G, p.Ser2696Gly (NM_001386175.1); c.4412-4236A>G (NM_001386186.2, NM_001386148.2); c.4214-4236A>G (NM_001354269.3); c.4292-4236A>G (NM_001386187.2); c.4253-4236A>G (NM_001386147.1); and 35 more; short protein forms S2704G, S2696G, S1457G, S2579G, S2657G.
Identifiers: ClinVar variation 1518610 (VCV001518610.9), dbSNP rs144318707, ClinGen allele CA103815790.

ClinVar aggregate classification (germline): Uncertain significance. Review status: criteria provided, multiple submitters, no conflicts (2 of 4 stars). 2 submissions from 2 submitters: Uncertain significance (2). Last evaluated 2025-11-11.

Conditions:
Cardiovascular phenotype. Identifiers: MedGen CN230736.
Long QT syndrome (LQTS). Identifiers: MedGen C0023976, MeSH D008133, MONDO:0002442. Disease mechanism: loss of function. Inheritance: Various modes of inheritance.

Allele frequency attached by ClinVar (database versions not stated): gnomAD exomes below 0.00001; gnomAD 0.00001; TOPMed 0.00001; ESP Exome Variant Server 0.00008.
gnomAD v4.1: 8 of 1,613,962 alleles (0.0005%); highest among the groups gnomAD compares: African/African-American, 0.0093%; no homozygotes.

Submissions (2):

Labcorp Genetics (formerly Invitae), Labcorp
Classification: Uncertain significance for Long QT syndrome. Last evaluated: 2025-11-11. Review status: criteria provided, single submitter. Criteria: Invitae Variant Classification Sherloc (09022015). Collection method: clinical testing. Allele origin: germline.
Comment: This sequence change replaces serine, which is neutral and polar, with glycine, which is neutral and non-polar, at codon 2657 of the ANK2 protein (p.Ser2657Gly). This variant is not present in population databases (gnomAD no frequency). This variant has not been reported in the literature in individuals affected with ANK2-related conditions. ClinVar contains an entry for this variant (Variation ID: 1518610). An algorithm developed to predict the effect of missense changes on protein structure and function outputs the following: PolyPhen-2: "Benign". The glycine amino acid residue is found in multiple mammalian species, which suggests that this missense change does not adversely affect protein function. In summary, the available evidence is currently insufficient to determine the role of this variant in disease. Therefore, it has been classified as a Variant of Uncertain Significance.

Ambry Genetics
Classification: Uncertain significance for Cardiovascular phenotype. Last evaluated: 2024-10-04. Review status: criteria provided, single submitter. Criteria: Ambry Variant Classification Scheme 2023. Collection method: clinical testing. Allele origin: germline.